The following is an entry in ClinVar:

ClinVar aggregate classification (germline): Benign/Likely benign. Review status: criteria provided, multiple submitters, no conflicts (2 of 4 stars). 3 submissions from 3 submitters: Benign (1); Likely benign (2). Last evaluated 2025-08-12.

Conditions:
Melanoma-pancreatic cancer syndrome. Identifiers: Orphanet 404560, MedGen C1838547, MONDO:0011713, OMIM 606719. Disease mechanism: loss of function.
Familial melanoma. Also called: Hereditary melanoma; Hereditary cutaneous melanoma. Identifiers: Orphanet 618, MedGen C1512419, MONDO:0018961.
Hereditary cancer-predisposing syndrome. Also called: Neoplastic Syndromes, Hereditary; Tumor predisposition; Hereditary Cancer Syndrome; Hereditary neoplastic syndrome. Identifiers: Orphanet 140162, MedGen C0027672, MeSH D009386, MONDO:0015356.

Allele frequency attached by ClinVar (database versions not stated): gnomAD exomes below 0.00001.
gnomAD v4.1: 1 of 1,603,778 alleles (0.000062%); highest among the groups gnomAD compares: South Asian, 0.0011%; no homozygotes.

Submissions (3):

Myriad Genetics, Inc.
Classification: Benign for Melanoma-pancreatic cancer syndrome. Last evaluated: 2025-08-12. Review status: criteria provided, single submitter. Criteria: Myriad Autosomal Dominant, Autosomal Recessive and X-Linked Classification Criteria (2023). Collection method: clinical testing. Allele origin: unknown.
Comment: This variant is considered benign. This variant is a silent/synonymous amino acid change and it is not expected to impact splicing.

Ambry Genetics
Classification: Likely benign for Hereditary cancer-predisposing syndrome. Last evaluated: 2023-05-03. Review status: criteria provided, single submitter. Criteria: Ambry Variant Classification Scheme 2023. Collection method: clinical testing. Allele origin: germline.

Labcorp Genetics (formerly Invitae), Labcorp
Classification: Likely benign for Familial melanoma. Last evaluated: 2019-06-13. Review status: criteria provided, single submitter. Criteria: Invitae Variant Classification Sherloc (09022015). Collection method: clinical testing. Allele origin: germline.

NM_058195.4(CDKN2A):c.42G>C (p.Ala14=)

Gene: CDKN2A (cyclin dependent kinase inhibitor 2A; minus strand). Cytogenetic location: 9p21.3.
Variant type: single nucleotide variant.
Coding change: c.42G>C on transcript NM_058195.4 (MANE Plus Clinical); coding-DNA position 42, G replaced by C.
Protein change: p.Ala14=; no amino-acid change (alanine 14 retained).
Molecular consequence: synonymous variant. On other transcripts: intron variant (1).
Genome position (GRCh38, 1-based): chr9:21,994,290, C>G on the plus strand (G>C on the coding strand, the complement: CDKN2A is on the minus strand). VCF-style: chr9-21994290-C-G. GRCh37 (hg19) VCF-style: chr9-21994289-C-G.
Other names: c.-4+531G>C (NM_001363763.2).
Identifiers: ClinVar variation 1121460 (VCV001121460.8), dbSNP rs1288648134, ClinGen allele CA464100364.